The following is an entry in ClinVar:

ClinVar aggregate classification (germline): Conflicting classifications of pathogenicity. Review status: criteria provided, conflicting classifications (1 of 4 stars). 6 submissions from 4 submitters: Uncertain significance (2); Likely benign (4). Last evaluated 2024-12-02.

Conditions:
Autosomal recessive nonsyndromic hearing loss 2. Also called: DEAFNESS, AUTOSOMAL RECESSIVE 2; NEUROSENSORY NONSYNDROMIC RECESSIVE DEAFNESS 2. Identifiers: Orphanet 90636, MedGen C1838701, MONDO:0010807, OMIM 600060.
Autosomal dominant nonsyndromic hearing loss 11. Identifiers: Orphanet 90635, MedGen C1832475, MONDO:0011032, OMIM 601317.
Usher syndrome type 1 (USH1). Also called: RETINITIS PIGMENTOSA AND CONGENITAL DEAFNESS. Identifiers: Orphanet 231169, Orphanet 886, MedGen C1568247, MONDO:0010168, OMIM 276900.

Allele frequency attached by ClinVar (database versions not stated): gnomAD 0.00011 and 0.00013; TOPMed 0.00012; ExAC 0.00015; gnomAD exomes 0.00015; 1000 Genomes Project 30x 0.00016; 1000 Genomes Project 0.00020.
gnomAD v4.1: 155 of 1,613,124 alleles (0.0096%); highest among the groups gnomAD compares: South Asian, 0.12%; 2 homozygotes.

Submissions (6):

Labcorp Genetics (formerly Invitae), Labcorp
Classification: Likely benign. Last evaluated: 2024-12-02. Review status: criteria provided, single submitter. Criteria: Invitae Variant Classification Sherloc (09022015). Collection method: clinical testing. Allele origin: germline.

Blueprint Genetics
Classification: Likely benign. Last evaluated: 2024-04-23. Review status: criteria provided, single submitter. Criteria: ACMG Guidelines, 2015. Collection method: clinical testing. Allele origin: germline.

Illumina Laboratory Services, Illumina
Classification: Uncertain significance for Autosomal recessive nonsyndromic hearing loss 2. Last evaluated: 2017-04-27. Review status: criteria provided, single submitter. Criteria: ICSL Variant Classification Criteria 13 December 2019. Collection method: clinical testing. Allele origin: germline.

Illumina Laboratory Services, Illumina
Classification: Likely benign for Autosomal dominant nonsyndromic hearing loss 11. Last evaluated: 2017-04-27. Review status: criteria provided, single submitter. Criteria: ICSL Variant Classification Criteria 13 December 2019. Collection method: clinical testing. Allele origin: germline.
Comment: This variant was observed as part of a predisposition screen in an ostensibly healthy population. A literature search was performed for the gene, cDNA change, and amino acid change (where applicable). No publications were found based on this search. Allele frequency data from public databases allowed determination this variant is unlikely to cause disease. Therefore, this variant is classified as likely benign.

Illumina Laboratory Services, Illumina
Classification: Uncertain significance for Usher syndrome type 1. Last evaluated: 2017-04-27. Review status: criteria provided, single submitter. Criteria: ICSL Variant Classification Criteria 13 December 2019. Collection method: clinical testing. Allele origin: germline.

Laboratory for Molecular Medicine, Mass General Brigham Personalized Medicine
Classification: Likely benign. Last evaluated: 2016-07-21. Review status: criteria provided, single submitter. Criteria: LMM Criteria. Collection method: clinical testing. Allele origin: germline. Observed: 1 variant allele.
Comment: c.4568+13G>A in intron 34 of MYO7A: This variant is not expected to have clinica l significance because it is not located within the splice consensus sequence. It has been identified in 0.1% (16/16028) of South Asian chromosomes by the Exom e Aggregation Consortium (ExAC; dbSNP rs53235667 6).

NM_000260.4(MYO7A):c.4568+13G>A

Gene: MYO7A (myosin VIIA; plus strand). Cytogenetic location: 11q13.5.
Variant type: single nucleotide variant.
Coding change: c.4568+13G>A on transcript NM_000260.4 (MANE Select); 13 bases into the intron after coding-DNA position 4568, G replaced by A.
Molecular consequence: intron variant.
Genome position (GRCh38, 1-based): chr11:77,198,634, G>A. VCF-style: chr11-77198634-G-A. GRCh37 (hg19) VCF-style: chr11-76909679-G-A.
Other names: c.4535+13G>A (NM_001369365.1); c.4568+13G>A (NM_001127180.2).
Identifiers: ClinVar variation 505186 (VCV000505186.16), dbSNP rs532356676, ClinGen allele CA6198477.